The following is an entry in ClinVar:

ClinVar aggregate classification (germline): Pathogenic/Likely pathogenic. Review status: criteria provided, multiple submitters, no conflicts (2 of 4 stars). 3 submissions from 3 submitters: Pathogenic (1); Likely pathogenic (1). 1 of the submissions does not count toward it. Last evaluated 2025-09-25.

Conditions:
PDZD7-related disorder. Also called: PDZD7-related condition; PDZD7-related disorders.
Autosomal recessive PDZD7-related disorders.

gnomAD v4.1: 28 of 1,613,478 alleles (0.0017%); highest among the groups gnomAD compares: South Asian, 0.021%; no homozygotes.

Submissions (3):

Labcorp Genetics (formerly Invitae), Labcorp
Classification: Pathogenic. Last evaluated: 2025-09-25. Review status: criteria provided, single submitter. Criteria: Invitae Variant Classification Sherloc (09022015). Collection method: clinical testing. Allele origin: germline.
Comment: This sequence change creates a premature translational stop signal (p.Arg309*) in the PDZD7 gene. It is expected to result in an absent or disrupted protein product. Loss-of-function variants in PDZD7 are known to be pathogenic (PMID: 20440071). This variant is present in population databases (rs771163176, gnomAD 0.02%). This variant has not been reported in the literature in individuals affected with PDZD7-related conditions. ClinVar contains an entry for this variant (Variation ID: 3009015). For these reasons, this variant has been classified as Pathogenic.

Variantyx, Inc.
Classification: Likely pathogenic for Autosomal recessive PDZD7-related disorders. Last evaluated: 2025-09-03. Review status: criteria provided, single submitter. Criteria: Variantyx Assertion Criteria 2022. Collection method: clinical testing. Allele origin: germline. Inheritance: Autosomal recessive inheritance. Affected: no.
Comment: This is a nonsense variant in the PDZD7 gene (OMIM: 612971). Pathogenic variants in this gene have been associated with autosomal recessive PDZD7-related disorders. This variant introduces a premature termination codon in exon 7 out of 17 and is expected to result in loss of function, which is a known disease mechanism for PDZD7 in these disorders (PMID: 20440071) (PVS1). This variant has a 0.0209% maximum allele frequency in non-founder control populations (PM2). Based on the current evidence, this variant is classified as likely pathogenic for autosomal recessive PDZD7-related disorders.

PreventionGenetics, part of Exact Sciences
Classification: Likely pathogenic for PDZD7-related condition. Last evaluated: 2024-02-28. Review status: no assertion criteria provided. Collection method: clinical testing. Allele origin: germline. Not counted in ClinVar's aggregate classification.
Comment: The PDZD7 c.925C>T variant is predicted to result in premature protein termination (p.Arg309*). To our knowledge, this variant has not been reported in the literature. This variant is reported in 0.023% of alleles in individuals of South Asian descent in gnomAD. Nonsense variants in PDZD7 are expected to be pathogenic. This variant is interpreted as likely pathogenic.

Literature cited by the submitters: PubMed 20440071 (cited by Labcorp Genetics (formerly Invitae), Labcorp and Variantyx, Inc.).

NM_001195263.2(PDZD7):c.925C>T (p.Arg309Ter)

Gene: PDZD7 (PDZ domain containing 7; minus strand). Cytogenetic location: 10q24.31.
Variant type: single nucleotide variant.
Coding change: c.925C>T on transcript NM_001195263.2 (MANE Select); coding-DNA position 925, C replaced by T.
Protein change: p.Arg309Ter; replaces arginine 309 with a stop codon.
Molecular consequence: nonsense.
Genome position (GRCh38, 1-based): chr10:101,020,621, G>A on the plus strand (C>T on the coding strand, the complement: PDZD7 is on the minus strand). VCF-style: chr10-101020621-G-A. GRCh37 (hg19) VCF-style: chr10-102780378-G-A.
Other names: c.925C>T, p.Arg309Ter (NM_001351044.2, NM_024895.5); c.925C>T (NM_001195263.1); short protein forms R309*.
Identifiers: ClinVar variation 3009015 (VCV003009015.5), dbSNP rs771163176, ClinGen allele CA5654202.
Genomic context (GRCh38, chr10:101,020,621, plus strand): 5'-CCCCACCCTAAGGCCTCAGCCCTTTCCCTCCAACCTTGGGAGATCTGAGCCACTTACGTC[G>A]GTCCAGCCAGCAGTACTCAGAAACCATCTCCTTGTAGGCAGGATACCGGCCGGTCTCCTG-3'